The following is an entry in ClinVar:

ClinVar aggregate classification (germline): Benign/Likely benign. Review status: criteria provided, multiple submitters, no conflicts (2 of 4 stars). 10 submissions from 9 submitters: Benign (7); Likely benign (2). 1 of the submissions does not count toward it. Last evaluated 2026-01-05.

Conditions:
Hereditary cancer-predisposing syndrome. Also called: Neoplastic Syndromes, Hereditary; Hereditary Cancer Syndrome; Tumor predisposition; Hereditary neoplastic syndrome. Identifiers: Orphanet 140162, MedGen C0027672, MeSH D009386, MONDO:0015356.
Nijmegen breakage syndrome-like disorder (NBSLD). Also called: MICROCEPHALY AND SPONTANEOUS CHROMOSOME INSTABILITY WITHOUT IMMUNODEFICIENCY; NBS-LIKE DISORDER; RAD50 DEFICIENCY. Identifiers: Orphanet 240760, MedGen C2751318, MONDO:0013118, OMIM 613078.
Familial cancer of breast. Also called: Hereditary breast cancer; hereditary breast carcinoma; BREAST CANCER, FAMILIAL. Identifiers: Orphanet 227535, MedGen C0346153, MONDO:0016419, OMIM 114480. Disease mechanism: loss of function.

Allele frequency attached by ClinVar (database versions not stated): gnomAD exomes 0.00014 and 0.00037; ExAC 0.00050; ESP Exome Variant Server 0.00115; gnomAD 0.00155 and 0.00156; TOPMed 0.00165; 1000 Genomes Project 30x 0.00406; 1000 Genomes Project 0.00499.
gnomAD v4.1: 459 of 1,613,774 alleles (0.028%); highest among the groups gnomAD compares: African/African-American, 0.54%; 4 homozygotes.

Submissions (10):

Labcorp Genetics (formerly Invitae), Labcorp
Classification: Benign for Hereditary cancer-predisposing syndrome. Last evaluated: 2026-01-05. Review status: criteria provided, single submitter. Criteria: Invitae Variant Classification Sherloc (09022015). Collection method: clinical testing. Allele origin: germline.

KCCC/NGS Laboratory, Kuwait Cancer Control Center
Classification: Benign for Nijmegen breakage syndrome-like disorder. Last evaluated: 2025-02-01. Review status: criteria provided, single submitter. Criteria: ACMG Guidelines, 2015. Collection method: clinical testing. Allele origin: germline. Affected: no.

Blueprint Genetics
Classification: Likely benign. Last evaluated: 2024-09-11. Review status: criteria provided, single submitter. Criteria: ACMG Guidelines, 2015. Collection method: clinical testing. Allele origin: germline.

KCCC/NGS Laboratory, Kuwait Cancer Control Center
Classification: Benign for Familial cancer of breast. Last evaluated: 2023-07-07. Review status: criteria provided, single submitter. Criteria: ACMG Guidelines, 2015. Collection method: clinical testing. Allele origin: germline. Affected: yes.

Sema4
Classification: Benign for Nijmegen breakage syndrome-like disorder. Last evaluated: 2021-09-03. Review status: criteria provided, single submitter. Criteria: Sema4 Curation Guidelines. Collection method: curation. Allele origin: germline.

Women's Health and Genetics/Laboratory Corporation of America, LabCorp
Classification: Benign. Last evaluated: 2018-01-08. Review status: criteria provided, single submitter. Criteria: LabCorp Variant Classification Summary - May 2015. Collection method: clinical testing. Allele origin: germline.
Comment: Variant summary: The RAD50 c.2091C>T (p.Val697Val) variant involves the alteration of a non-conserved nucleotide causes a synonymous change and 5/5 splice prediction tools predict no significant impact on normal splicing. However, these predictions have yet to be confirmed by functional studies. This variant was found in 129/277028 control chromosomes (gnomAD), predominantly observed in the African subpopulation at a frequency of 0.004827 (116/24030). This frequency is about 77 times the estimated maximal expected allele frequency of a pathogenic RAD50 variant (0.0000625), suggesting this is likely a benign polymorphism found primarily in the populations of African origin. A publication, Young_2016, cites the variant, however, with limited information. In addition, multiple clinical diagnostic laboratories/reputable databases classified this variant as benign/likely benign. Taken together, this variant is classified as benign.

Ambry Genetics
Classification: Benign for Hereditary cancer-predisposing syndrome. Last evaluated: 2014-11-29. Review status: criteria provided, single submitter. Criteria: Ambry Variant Classification Scheme 2023. Collection method: clinical testing. Allele origin: germline.

GeneDx
Classification: Benign. Last evaluated: 2014-01-23. Review status: criteria provided, single submitter. Criteria: GeneDx Variant Classification (06012015). Collection method: clinical testing. Allele origin: germline. Affected: yes.
Comment: This variant is considered likely benign or benign based on one or more of the following criteria: it is a conservative change, it occurs at a poorly conserved position in the protein, it is predicted to be benign by multiple in silico algorithms, and/or has population frequency not consistent with disease.

Breakthrough Genomics
Classification: Likely benign. Review status: criteria provided, single submitter. Criteria: ACMG Guidelines, 2015. Collection method: not provided. Allele origin: germline. Inheritance: Autosomal recessive inheritance. Affected: yes.

Counsyl
Classification: Likely benign for Nijmegen breakage syndrome-like disorder. Last evaluated: 2016-06-03. Review status: no assertion criteria provided. Collection method: clinical testing. Allele origin: unknown. Not counted in ClinVar's aggregate classification.

Literature cited by the submitters: PubMed 26787654 (cited by Women's Health and Genetics/Laboratory Corporation of America, LabCorp).

NM_005732.4(RAD50):c.2091C>T (p.Val697=)

Gene: RAD50 (RAD50 double strand break repair protein; plus strand). Cytogenetic location: 5q31.1.
Variant type: single nucleotide variant.
Coding change: c.2091C>T on transcript NM_005732.4 (MANE Select); coding-DNA position 2091, C replaced by T.
Protein change: p.Val697=; no amino-acid change (valine 697 retained).
Molecular consequence: synonymous variant.
Genome position (GRCh38, 1-based): chr5:132,595,694, C>T. VCF-style: chr5-132595694-C-T. GRCh37 (hg19) VCF-style: chr5-131931386-C-T.
Other names: p.V697V:GTC>GTT.
Identifiers: ClinVar variation 142438 (VCV000142438.23), dbSNP rs61747588, ClinGen allele CA333259.